The following is an entry in ClinVar:

NM_007294.4(BRCA1):c.4476A>G (p.Gly1492=)

Gene: BRCA1 (BRCA1 DNA repair associated; minus strand). Cytogenetic location: 17q21.31.
Variant type: single nucleotide variant.
Coding change: c.4476A>G on transcript NM_007294.4 (MANE Select); coding-DNA position 4476, A replaced by G.
Protein change: p.Gly1492=; no amino-acid change (glycine 1492 retained).
Molecular consequence: synonymous variant. On other transcripts: intron variant (3).
Genome position (GRCh38, 1-based): chr17:43,076,496, T>C on the plus strand (A>G on the coding strand, the complement: BRCA1 is on the minus strand). VCF-style: chr17-43076496-T-C. GRCh37 (hg19) VCF-style: chr17-41228513-T-C.
Other names: c.4266A>G, p.Gly1422= (NM_001407879.1, NM_001407881.1, NM_001407882.1 and 5 more transcripts); c.4263A>G, p.Gly1421= (NM_001407894.1, NM_001407895.1, NM_001407896.1 and 12 more transcripts); c.4260A>G, p.Gly1420= (NM_001407915.1, NM_001407916.1, NM_001407917.1 and 1 more transcripts); c.4353A>G, p.Gly1451= (NM_001407919.1, NM_001407937.1, NM_001407938.1 and 6 more transcripts); c.4212A>G, p.Gly1404= (NM_001407920.1, NM_001407921.1, NM_001407922.1 and 4 more transcripts); c.4209A>G, p.Gly1403= (NM_001407927.1, NM_001407928.1, NM_001407929.1 and 4 more transcripts); c.4206A>G, p.Gly1402= (NM_001407934.1, NM_001407935.1, NM_001407936.1); c.4350A>G, p.Gly1450= (NM_001407939.1, NM_001407940.1, NM_001407670.1 and 11 more transcripts); and 71 more.
Identifiers: ClinVar variation 1740852 (VCV001740852.3), dbSNP rs2154057900, ClinGen allele CA500146782.

ClinVar aggregate classification (germline): Likely benign. Review status: criteria provided, multiple submitters, no conflicts (2 of 4 stars). 2 submissions from 2 submitters: Likely benign (2). Last evaluated 2021-10-08.

Conditions:
Hereditary cancer-predisposing syndrome. Also called: Neoplastic Syndromes, Hereditary; Tumor predisposition; Hereditary neoplastic syndrome; Hereditary Cancer Syndrome. Identifiers: Orphanet 140162, MedGen C0027672, MeSH D009386, MONDO:0015356.
Breast-ovarian cancer, familial, susceptibility to, 1 (BROVCA1). Also called: OVARIAN CANCER, SUSCEPTIBILITY TO; BRCA1 Hereditary Breast and Ovarian Cancer. Identifiers: Orphanet 145, MedGen C2676676, MONDO:0011450, OMIM 604370. Disease mechanism: loss of function.

Submissions (2):

Ambry Genetics
Classification: Likely benign for Hereditary cancer-predisposing syndrome. Last evaluated: 2021-10-08. Review status: criteria provided, single submitter. Criteria: Ambry Variant Classification Scheme 2023. Collection method: clinical testing. Allele origin: germline.

Bioinformatics Department, Amoy Diagnostics Co., Ltd.
Classification: Likely benign for Breast-ovarian cancer, familial, susceptibility to, 1. Review status: criteria provided, single submitter. Criteria: ACMG Guidelines, 2015. Collection method: clinical testing. Allele origin: germline. Inheritance: Autosomal dominant inheritance. Observed: 1 heterozygote.
Comment: This variant is not recorded in the 1000G, ExAC, gnomAD or iJGVD databases. This variant is located outside the important functional domain of the BRCA1 gene, based on the splice prediction tool SpliceAI, this variant may not affect splicing.